The following is an entry in ClinVar:

NM_001382391.1(CSPP1):c.2206C>A (p.Gln736Lys)

Gene: CSPP1 (centrosome and spindle pole associated protein 1; plus strand). Cytogenetic location: 8q13.2.
Variant type: single nucleotide variant.
Coding change: c.2206C>A on transcript NM_001382391.1 (MANE Select); coding-DNA position 2206, C replaced by A.
Protein change: p.Gln736Lys; replaces glutamine 736 with lysine.
Molecular consequence: missense variant.
Genome position (GRCh38, 1-based): chr8:67,154,101, C>A. VCF-style: chr8-67154101-C-A. GRCh37 (hg19) VCF-style: chr8-68066336-C-A.
Other names: c.1156C>A, p.Gln386Lys (NM_001291339.2); c.2125C>A, p.Gln709Lys (NM_001363131.2); c.2011C>A, p.Gln671Lys (NM_001363132.2); c.1930C>A, p.Gln644Lys (NM_001363133.2); c.2272C>A, p.Gln758Lys (NM_001364869.1); c.2092C>A, p.Gln698Lys (NM_001364870.1); c.2191C>A, p.Gln731Lys (NM_024790.7); short protein forms Q731K, Q736K, Q386K, Q671K, Q709K, Q644K, Q698K, Q758K.
Identifiers: ClinVar variation 1385255 (VCV001385255.6), dbSNP rs2129559063, ClinGen allele CA371187972.

ClinVar aggregate classification (germline): Uncertain significance (1 of 4 stars; one submission).

Conditions:
Joubert syndrome 21 (JBTS21). Identifiers: MedGen C3810212, MONDO:0014288, OMIM 615636.

Submission:

Labcorp Genetics (formerly Invitae), Labcorp
Classification: Uncertain significance for Joubert syndrome 21. Last evaluated: 2024-02-24. Review status: criteria provided, single submitter. Criteria: Invitae Variant Classification Sherloc (09022015). Collection method: clinical testing. Allele origin: germline.
Comment: This sequence change replaces glutamine, which is neutral and polar, with lysine, which is basic and polar, at codon 731 of the CSPP1 protein (p.Gln731Lys). This variant is not present in population databases (gnomAD no frequency). This variant has not been reported in the literature in individuals affected with CSPP1-related conditions. ClinVar contains an entry for this variant (Variation ID: 1385255). An algorithm developed to predict the effect of missense changes on protein structure and function (PolyPhen-2) suggests that this variant is likely to be tolerated. In summary, the available evidence is currently insufficient to determine the role of this variant in disease. Therefore, it has been classified as a Variant of Uncertain Significance.